The following is an entry in ClinVar:

ClinVar aggregate classification (germline): Uncertain significance. Review status: criteria provided, multiple submitters, no conflicts (2 of 4 stars). 3 submissions from 3 submitters: Uncertain significance (3). Last evaluated 2025-07-09.

Conditions:
Intellectual developmental disorder, autosomal dominant 1. Also called: Intellectual disability, autosomal dominant 1; MBD5 Haploinsufficiency. Identifiers: Orphanet 228402, MedGen C1969562, MONDO:0007974, OMIM 156200.

Submissions (3):

Dasa
Classification: Uncertain significance for intellectual disability, autosomal dominant 1. Last evaluated: 2025-07-09. Review status: criteria provided, single submitter. Criteria: DASA Assertion Criteria. Collection method: clinical testing. Allele origin: germline.
Comment: NM_001378120.1(MBD5):c.2413A>C (p.Asn805His) is a missense variant that results in the substitution of asparagine with histidine. This variant is absent from population databases. Computational prediction algorithms are consistent with a benign effect. The currently available literature and clinical evidence are not sufficient to establish a definitive association between this variant and the reported condition. Therefore, this variant is classified as a variant of uncertain significance.

Laboratorio de Genetica e Diagnostico Molecular, Hospital Israelita Albert Einstein
Classification: Uncertain significance. Last evaluated: 2022-04-12. Review status: criteria provided, single submitter. Criteria: ACMG Guidelines, 2015. Collection method: clinical testing. Allele origin: germline. Affected: yes.
Comment: ACMG classification criteria: PM2, BP4

GeneDx
Classification: Uncertain significance. Last evaluated: 2014-03-13. Review status: criteria provided, single submitter. Criteria: GeneDx Variant Classification (06012015). Collection method: clinical testing. Allele origin: germline. Affected: yes.
Comment: p.Asn805His (AAT>CAT): c.2413 A>C in exon 9 of the MBD5 gene (NM_018328.4) The N805H variant has not been published as a mutation, nor has it been reported as a benign polymorphism to our knowledge. It was not observed in approximately 6,500 individuals of European and African American ancestry in the NHLBI Exome Sequencing Project, indicating it is not a common benign variant in these populations. The N805H variant is a semi-conservative amino acid substitution, which may impact secondary protein structure as these residues differ in some properties. This substitution occurs at a position that is conserved across species. However, in silico analysis is inconsistent in its predictions as to whether or not the variant is damaging to the protein structure/function. Additionally, to our knowledge, only deletions and frameshift mutations in MBD5 have been published in association with epilepsy. Therefore, based on the currently available information, it is unclear whether this variant is a pathogenic mutation or a rare benign variant. The variant is found in INFANT-EPI panel(s).

NM_001378120.1(MBD5):c.2413A>C (p.Asn805His)

Gene: MBD5 (methyl-CpG binding domain protein 5; plus strand). Cytogenetic location: 2q23.1.
Variant type: single nucleotide variant.
Coding change: c.2413A>C on transcript NM_001378120.1 (MANE Select); coding-DNA position 2413, A replaced by C.
Protein change: p.Asn805His; replaces asparagine 805 with histidine.
Molecular consequence: missense variant.
Genome position (GRCh38, 1-based): chr2:148,470,356, A>C. VCF-style: chr2-148470356-A-C. GRCh37 (hg19) VCF-style: chr2-149227925-A-C.
Other names: p.N805H:AAT>CAT; c.2413A>C, p.Asn805His (NM_018328.5); short protein forms N805H.
Identifiers: ClinVar variation 206085 (VCV000206085.6), dbSNP rs796052712, ClinGen allele CA315826.
Genomic context (GRCh38, chr2:148,470,356, plus strand): 5'-AATCAGATTCAGGCTAGCGGGAACTGTGGGATGCTCAGTCAGTCGGGCATGGCTTTAGGA[A>C]ATTCCTTACATCCCAATCCACCTCAGTCAAGAATTTCAACGTCCTCCACTCCAGTGATAC-3'
Protein context (NP_001365049.1, residues 795-815): MLSQSGMALG[Asn805His]SLHPNPPQSR